The following is an entry in ClinVar:

NM_001042492.3(NF1):c.1976G>A (p.Arg659Gln)

Gene: NF1 (neurofibromin 1; plus strand). Cytogenetic location: 17q11.2.
Variant type: single nucleotide variant.
Coding change: c.1976G>A on transcript NM_001042492.3 (MANE Select); coding-DNA position 1976, G replaced by A.
Protein change: p.Arg659Gln; replaces arginine 659 with glutamine.
Molecular consequence: missense variant.
Genome position (GRCh38, 1-based): chr17:31,225,225, G>A. VCF-style: chr17-31225225-G-A. GRCh37 (hg19) VCF-style: chr17-29552243-G-A.
Other names: c.1976G>A, p.Arg659Gln (NM_000267.4); short protein forms R659Q.
Identifiers: ClinVar variation 184221 (VCV000184221.25), dbSNP rs151138158, ClinGen allele CA188240.

ClinVar aggregate classification (germline): Conflicting classifications of pathogenicity. Review status: criteria provided, conflicting classifications (1 of 4 stars). 9 submissions from 8 submitters: Uncertain significance (1); Benign (5); Likely benign (2). 1 of the submissions does not count toward it. Last evaluated 2026-04-27.

Conditions:
Hereditary cancer-predisposing syndrome. Also called: Tumor predisposition; Neoplastic Syndromes, Hereditary; Hereditary neoplastic syndrome; Hereditary Cancer Syndrome. Identifiers: Orphanet 140162, MedGen C0027672, MeSH D009386, MONDO:0015356.
Cardiovascular phenotype. Identifiers: MedGen CN230736.
NF1-related disorder. Also called: NF1-related condition. Identifiers: MedGen CN379171.
Neurofibromatosis, type 1 (NF1). Also called: NEUROFIBROMATOSIS, TYPE I, SOMATIC; VON RECKLINGHAUSEN DISEASE; Peripheral type neurofibromatosis; Neurofibromatosis, type I. Identifiers: Orphanet 636, MedGen C0027831, MONDO:0018975, OMIM 162200. Disease mechanism: loss of function.

Allele frequency attached by ClinVar (database versions not stated): TOPMed 0.00007; ESP Exome Variant Server 0.00008; 1000 Genomes Project 30x 0.00016; 1000 Genomes Project 0.00020; gnomAD exomes 0.00023 and 0.00047; gnomAD 0.00029; ExAC 0.00049.
gnomAD v4.1: 386 of 1,613,716 alleles (0.024%); highest among the groups gnomAD compares: East Asian, 0.0067%; no homozygotes.

Submissions (9):

Institute for Biomarker Research, Medical Diagnostic Laboratories, L.L.C.
Classification: Benign for Hereditary cancer-predisposing syndrome. Last evaluated: 2026-04-27. Review status: criteria provided, single submitter. Criteria: ACMG Guidelines, 2015. Collection method: clinical testing. Allele origin: germline.
Comment: The missense variant NM_000267.3(NF1):c.1976G>A (p.Arg659Gln) has not been reprted previously as a pathogenic variant, toour knowledge (Accession: VCV000184221.23). he p.Arg659Gln variant is observed in 297/64,010 (0.464%) alleles from individuals of gnomAD v4 Finnish background in gnomAD v4 All, which is greater than expected for the disorder. There is a small physicochemical difference between arginine and glutamine, which is not likely to impact secondary protein structure as these residues share similar properties. The nucleotide c.1976 in NF1 is predicted conserved by GERP++ and PhyloP across 100 vertebrates. For these reasons, this variant has been classified as Benign.

Labcorp Genetics (formerly Invitae), Labcorp
Classification: Benign for Neurofibromatosis, type 1. Last evaluated: 2026-01-19. Review status: criteria provided, single submitter. Criteria: Invitae Variant Classification Sherloc (09022015). Collection method: clinical testing. Allele origin: germline.

Laboratory of Genetics, Children's Clinical University Hospital Latvia
Classification: Likely benign. Last evaluated: 2025-02-16. Review status: criteria provided, single submitter. Criteria: ACMG Guidelines, 2015. Collection method: clinical testing. Allele origin: germline. Affected: yes.

Blueprint Genetics
Classification: Likely benign. Last evaluated: 2024-11-14. Review status: criteria provided, single submitter. Criteria: ACMG Guidelines, 2015. Collection method: clinical testing. Allele origin: germline.

Ambry Genetics
Classification: Benign for Cardiovascular phenotype; Hereditary cancer-predisposing syndrome. Last evaluated: 2021-10-06. Review status: criteria provided, single submitter. Criteria: Ambry Variant Classification Scheme 2023. Collection method: clinical testing. Allele origin: germline.

Women's Health and Genetics/Laboratory Corporation of America, LabCorp
Classification: Benign. Last evaluated: 2021-01-30. Review status: criteria provided, single submitter. Criteria: LabCorp Variant Classification Summary - May 2015. Collection method: clinical testing. Allele origin: germline.
Comment: Variant summary: NF1 c.1976G>A (p.Arg659Gln) results in a conservative amino acid change in the encoded protein sequence. Three of five in-silico tools predict a benign effect of the variant on protein function. The variant allele was found at a frequency of 0.00047 in 251032 control chromosomes. The observed variant frequency is approximately 2.3 fold of the estimated maximal expected allele frequency for a pathogenic variant in NF1 causing Neurofibromatosis Type 1 phenotype (0.00021), strongly suggesting that the variant is benign. To our knowledge, no occurrence of c.1976G>A in individuals affected with Neurofibromatosis Type 1 and no experimental evidence demonstrating its impact on protein function have been reported. Three clinical diagnostic laboratories have submitted clinical-significance assessments for this variant to ClinVar after 2014 without evidence for independent evaluation (Benign, n=2). Based on the evidence outlined above, the variant was classified as benign.

Laboratory for Molecular Medicine, Mass General Brigham Personalized Medicine
Classification: Benign. Last evaluated: 2018-04-04. Review status: criteria provided, single submitter. Criteria: LMM Criteria. Collection method: clinical testing. Allele origin: germline. Observed: 1 variant allele.
Comment: p.Arg659Gln in exon 17 of NF1: This variant is classified as benign because it h as been identified in 0.4% (106/25762) of Finnish chromosomes by the Genome Aggr egation Database (gnomAD; dbSNP rs151138158). ACMG/AMP Criteria applied: BA1.

Ambry Genetics
Classification: Uncertain significance for Hereditary cancer-predisposing syndrome. Last evaluated: 2015-12-06. Review status: criteria provided, single submitter. Criteria: Ambry Autosomal Dominant and X-Linked criteria (10/2015). Collection method: clinical testing. Allele origin: germline. Observed: 1 variant allele.
Comment: The p.R659Q variant (also known as c.1976G>A), located in coding exon 17 of the NF1 gene, results from a G to A substitution at nucleotide position 1976. The arginine at codon 659 is replaced by glutamine, an amino acid with highly similar properties. This variant was previously reported in the SNPDatabase as rs151138158. Based on data from the 1000 Genomes Project, the A allele has an overall frequency of approximately 0.05% (1/2098) total alleles studied. The highest observed frequency was 0.54% (1/186) Finnish alleles. Based on data from the NHLBI Exome Sequencing Project (ESP), the A allele has an overall frequency of approximately 0.01% (1/13006) total alleles studied, having been observed in0.01% (1/8600) European American alleles. To date, this alteration has been detected with an allele frequency of approximately 0.005% (greater than 110000alleles tested) in our clinical cohort. This amino acid position is highly conserved in available vertebrate species. In addition, this alteration is predicted to be possibly damaging by PolyPhen but tolerated by SIFT in silico analyses. Since supporting evidence is limited at this time, the clinical significance of p.R659Q remains unclear.

PreventionGenetics, part of Exact Sciences
Classification: Likely benign for NF1-related condition. Last evaluated: 2019-04-01. Review status: no assertion criteria provided. Collection method: clinical testing. Allele origin: germline. Not counted in ClinVar's aggregate classification.
Comment: This variant is classified as likely benign based on ACMG/AMP sequence variant interpretation guidelines (Richards et al. 2015 PMID: 25741868, with internal and published modifications).

Literature cited by the submitters: PubMed 10678181 (cited by Women's Health and Genetics/Laboratory Corporation of America, LabCorp); PubMed 23460398 (cited by Women's Health and Genetics/Laboratory Corporation of America, LabCorp); PubMed 29872168 (cited by Women's Health and Genetics/Laboratory Corporation of America, LabCorp); PubMed 27069254 (cited by Women's Health and Genetics/Laboratory Corporation of America, LabCorp).